The following is an entry in ClinVar:

ClinVar aggregate classification (germline): Benign. Review status: criteria provided, multiple submitters, no conflicts (2 of 4 stars). 7 submissions from 7 submitters: Benign (7). Last evaluated 2026-02-04.

Conditions:
Pyruvate dehydrogenase E1-alpha deficiency (PDHAD). Also called: ATAXIA, INTERMITTENT, WITH PYRUVATE DEHYDROGENASE DEFICIENCY; ATAXIA WITH LACTIC ACIDOSIS I; ATAXIA, INTERMITTENT, WITH ABNORMAL PYRUVATE METABOLISM; Ataxia, intermittent, with pyruvate dehydrogenase, or decarboxylase, deficiency. Identifiers: Orphanet 79243, MedGen C1839413, MONDO:0010717, OMIM 312170.

Allele frequency attached by ClinVar (database versions not stated): ExAC 0.07823; gnomAD exomes 0.10031; gnomAD 0.22904 and 0.21845; TOPMed 0.24333; 1000 Genomes Project 0.24795; 1000 Genomes Project 30x 0.25619; ESP Exome Variant Server 0.26138.
gnomAD v4.1: 88,359 of 1,193,154 alleles (7.4%); highest among the groups gnomAD compares: African/African-American, 67%; 10,623 homozygotes.

Submissions 1 to 27 of 56:

Labcorp Genetics (formerly Invitae), Labcorp
Classification: Benign for Pyruvate dehydrogenase E1-alpha deficiency. Last evaluated: 2026-02-04. Review status: criteria provided, single submitter. Criteria: Invitae Variant Classification Sherloc (09022015). Collection method: clinical testing. Allele origin: germline.

Women's Health and Genetics/Laboratory Corporation of America, LabCorp
Classification: Benign. Last evaluated: 2025-11-14. Review status: criteria provided, single submitter. Criteria: LabCorp Variant Classification Summary - May 2015. Collection method: clinical testing. Allele origin: germline.
Comment: Variant summary: PDHA1 c.760-15C>A alters a nucleotide located at a position not widely known to affect splicing. The variant allele was found at a frequency of 0.1 in 183245 control chromosomes in the gnomAD database, including 2546 homozygotes. The observed variant frequency exceeds the estimated maximal expected allele frequency for disease-causing variants in PDHA1. To our knowledge, no occurrence of c.760-15C>A in individuals affected with PDHA1-related conditions and no experimental evidence demonstrating its impact on protein function have been reported. ClinVar contains an entry for this variant (Variation ID: 92771). Based on the evidence outlined above, the variant was classified as benign.

Mayo Clinic Laboratories, Mayo Clinic
Classification: Benign. Last evaluated: 2021-04-07. Review status: criteria provided, single submitter. Criteria: ACMG Guidelines, 2015. Collection method: clinical testing. Allele origin: germline. Observed: 4 variant alleles.

Illumina Laboratory Services, Illumina
Classification: Benign for Pyruvate dehydrogenase E1-alpha deficiency. Last evaluated: 2017-04-28. Review status: criteria provided, single submitter. Criteria: ICSL Variant Classification Criteria 13 December 2019. Collection method: clinical testing. Allele origin: germline.
Comment: This variant was observed as part of a predisposition screen in an ostensibly healthy population. A literature search was performed for the gene, cDNA change, and amino acid change (where applicable). No publications were found based on this search. Allele frequency data from public databases was too high to be consistent with this variant causing disease. Therefore, this variant is classified as benign.

Eurofins Ntd Llc (ga)
Classification: Benign. Last evaluated: 2012-08-09. Review status: criteria provided, single submitter. Criteria: EGL Classification Definitions 2015. Collection method: clinical testing. Allele origin: germline. Observed: 14 variant alleles, 6 heterozygotes, 3 homozygotes, 5 hemizygotes.

GeneDx
Classification: Benign. Last evaluated: 2011-07-06. Review status: criteria provided, single submitter. Criteria: GeneDx Variant Classification (06012015). Collection method: clinical testing. Allele origin: germline. Affected: yes.
Comment: This variant is considered likely benign or benign based on one or more of the following criteria: it is a conservative change, it occurs at a poorly conserved position in the protein, it is predicted to be benign by multiple in silico algorithms, and/or has population frequency not consistent with disease.

Breakthrough Genomics
Classification: Benign. Review status: criteria provided, single submitter. Criteria: ACMG Guidelines, 2015. Collection method: not provided. Allele origin: germline. Inheritance: X-linked inheritance. Affected: yes.

Dr. Peter K. Rogan Lab, Western University
No classification provided (evidence only). Condition: Acute myeloid leukemia. Review status: no classification provided. Collection method: in vitro. Allele origin: not applicable. Functional consequence: retained intron. Not counted in ClinVar's aggregate classification.

Dr. Peter K. Rogan Lab, Western University
No classification provided (evidence only). Condition: Thymoma. Review status: no classification provided. Collection method: in vitro. Allele origin: not applicable. Functional consequence: retained intron. Not counted in ClinVar's aggregate classification.

Dr. Peter K. Rogan Lab, Western University
No classification provided (evidence only). Condition: Thymoma. Review status: no classification provided. Collection method: in vitro. Allele origin: not applicable. Functional consequence: retained intron. Not counted in ClinVar's aggregate classification.

Dr. Peter K. Rogan Lab, Western University
No classification provided (evidence only). Condition: Thymoma. Review status: no classification provided. Collection method: in vitro. Allele origin: not applicable. Functional consequence: retained intron. Not counted in ClinVar's aggregate classification.

Dr. Peter K. Rogan Lab, Western University
No classification provided (evidence only). Condition: Thymoma. Review status: no classification provided. Collection method: in vitro. Allele origin: not applicable. Functional consequence: retained intron. Not counted in ClinVar's aggregate classification.

Dr. Peter K. Rogan Lab, Western University
No classification provided (evidence only). Condition: Thymoma. Review status: no classification provided. Collection method: in vitro. Allele origin: not applicable. Functional consequence: retained intron. Not counted in ClinVar's aggregate classification.

Dr. Peter K. Rogan Lab, Western University
No classification provided (evidence only). Condition: Uterine carcinosarcoma. Review status: no classification provided. Collection method: in vitro. Allele origin: not applicable. Functional consequence: retained intron. Not counted in ClinVar's aggregate classification.

Dr. Peter K. Rogan Lab, Western University
No classification provided (evidence only). Condition: Uterine carcinosarcoma. Review status: no classification provided. Collection method: in vitro. Allele origin: not applicable. Functional consequence: retained intron. Not counted in ClinVar's aggregate classification.

Dr. Peter K. Rogan Lab, Western University
No classification provided (evidence only). Condition: Uterine carcinosarcoma. Review status: no classification provided. Collection method: in vitro. Allele origin: not applicable. Functional consequence: retained intron. Not counted in ClinVar's aggregate classification.

Dr. Peter K. Rogan Lab, Western University
No classification provided (evidence only). Condition: Uterine carcinosarcoma. Review status: no classification provided. Collection method: in vitro. Allele origin: not applicable. Functional consequence: retained intron. Not counted in ClinVar's aggregate classification.

Dr. Peter K. Rogan Lab, Western University
No classification provided (evidence only). Condition: Malignant tumor of esophagus. Review status: no classification provided. Collection method: in vitro. Allele origin: not applicable. Functional consequence: retained intron. Not counted in ClinVar's aggregate classification.

Dr. Peter K. Rogan Lab, Western University
No classification provided (evidence only). Condition: Malignant tumor of esophagus. Review status: no classification provided. Collection method: in vitro. Allele origin: not applicable. Functional consequence: retained intron. Not counted in ClinVar's aggregate classification.

Dr. Peter K. Rogan Lab, Western University
No classification provided (evidence only). Condition: Malignant tumor of esophagus. Review status: no classification provided. Collection method: in vitro. Allele origin: not applicable. Functional consequence: retained intron. Not counted in ClinVar's aggregate classification.

Dr. Peter K. Rogan Lab, Western University
No classification provided (evidence only). Condition: Malignant tumor of esophagus. Review status: no classification provided. Collection method: in vitro. Allele origin: not applicable. Functional consequence: retained intron. Not counted in ClinVar's aggregate classification.

Dr. Peter K. Rogan Lab, Western University
No classification provided (evidence only). Condition: Malignant tumor of esophagus. Review status: no classification provided. Collection method: in vitro. Allele origin: not applicable. Functional consequence: retained intron. Not counted in ClinVar's aggregate classification.

Dr. Peter K. Rogan Lab, Western University
No classification provided (evidence only). Condition: Chronic lymphocytic leukemia/small lymphocytic lymphoma. Review status: no classification provided. Collection method: in vitro. Allele origin: not applicable. Functional consequence: retained intron. Not counted in ClinVar's aggregate classification.

Dr. Peter K. Rogan Lab, Western University
No classification provided (evidence only). Condition: Chronic lymphocytic leukemia/small lymphocytic lymphoma. Review status: no classification provided. Collection method: in vitro. Allele origin: not applicable. Functional consequence: retained intron. Not counted in ClinVar's aggregate classification.

Dr. Peter K. Rogan Lab, Western University
No classification provided (evidence only). Condition: Chronic lymphocytic leukemia/small lymphocytic lymphoma. Review status: no classification provided. Collection method: in vitro. Allele origin: not applicable. Functional consequence: retained intron. Not counted in ClinVar's aggregate classification.

Dr. Peter K. Rogan Lab, Western University
No classification provided (evidence only). Condition: Chronic lymphocytic leukemia/small lymphocytic lymphoma. Review status: no classification provided. Collection method: in vitro. Allele origin: not applicable. Functional consequence: retained intron. Not counted in ClinVar's aggregate classification.

Dr. Peter K. Rogan Lab, Western University
No classification provided (evidence only). Condition: Chronic lymphocytic leukemia/small lymphocytic lymphoma. Review status: no classification provided. Collection method: in vitro. Allele origin: not applicable. Functional consequence: retained intron. Not counted in ClinVar's aggregate classification.

NM_000284.4(PDHA1):c.760-15C>A

Gene: PDHA1 (pyruvate dehydrogenase E1 subunit alpha 1; plus strand). Cytogenetic location: Xp22.12.
Variant type: single nucleotide variant.
Coding change: c.760-15C>A on transcript NM_000284.4 (MANE Select); 15 bases into the intron before coding-DNA position 760, C replaced by A.
Molecular consequence: intron variant.
Genome position (GRCh38, 1-based): chrX:19,355,671, C>A. VCF-style: chrX-19355671-C-A. GRCh37 (hg19) VCF-style: chrX-19373789-C-A.
Other names: p.?; c.874-15C>A (NM_001173454.2); c.781-15C>A (NM_001173455.2); c.667-15C>A (NM_001173456.2).
Identifiers: ClinVar variation 92771 (VCV000092771.21), dbSNP rs7058209, ClinGen allele CA285339.